The following is an entry in ClinVar:

NM_002693.3(POLG):c.2690G>A (p.Trp897Ter)

Gene: POLG (DNA polymerase gamma, catalytic subunit; minus strand). Cytogenetic location: 15q26.1.
Variant type: single nucleotide variant.
Coding change: c.2690G>A on transcript NM_002693.3 (MANE Select); coding-DNA position 2690, G replaced by A.
Protein change: p.Trp897Ter; replaces tryptophan 897 with a stop codon.
Molecular consequence: nonsense.
Genome position (GRCh38, 1-based): chr15:89,321,169, C>T on the plus strand (G>A on the coding strand, the complement: POLG is on the minus strand). VCF-style: chr15-89321169-C-T. GRCh37 (hg19) VCF-style: chr15-89864400-C-T.
Other names: c.2690G>A, p.Trp897Ter (NM_001126131.2); short protein forms W897*.
Identifiers: ClinVar variation 3617992 (VCV003617992.3).

ClinVar aggregate classification (germline): Pathogenic. Review status: criteria provided, multiple submitters, no conflicts (2 of 4 stars). 2 submissions from 2 submitters: Pathogenic (2). Last evaluated 2025-08-13.

Conditions:
POLG-related disorder. Also called: POLG-Related Spectrum Disorders; POLG-related condition; POLG-Related Disorders. Identifiers: MedGen C4763519.
Progressive sclerosing poliodystrophy (MTDPS4A). Also called: Mitochondrial DNA depletion syndrome 4A (Alpers type); Alpers Syndrome; ALPERS DIFFUSE DEGENERATION OF CEREBRAL GRAY MATTER WITH HEPATIC CIRRHOSIS; ALPERS PROGRESSIVE INFANTILE POLIODYSTROPHY; NEURONAL DEGENERATION OF CHILDHOOD WITH LIVER DISEASE, PROGRESSIVE; Alpers-Huttenlocher Syndrome. Identifiers: Orphanet 726, MedGen C0205710, MONDO:0008758, OMIM 203700.

Submissions (2):

Myriad Genetics, Inc.
Classification: Pathogenic for POLG-related disorder. Last evaluated: 2025-08-13. Review status: criteria provided, single submitter. Criteria: Myriad Autosomal Dominant, Autosomal Recessive and X-Linked Classification Criteria (2023). Collection method: clinical testing. Allele origin: unknown.
Comment: NM_002693.2(POLG):c.2690G>A(W897*) is expected to be pathogenic in the context of POLG-related disorders. This variant is predicted to lead to an abnormal or absent protein product due to the creation of a premature termination codon in POLG, a gene where loss-of-function variants are known to be pathogenic. Please note: this variant was assessed in the context of healthy population screening.

Labcorp Genetics (formerly Invitae), Labcorp
Classification: Pathogenic for Progressive sclerosing poliodystrophy. Last evaluated: 2024-02-02. Review status: criteria provided, single submitter. Criteria: Invitae Variant Classification Sherloc (09022015). Collection method: clinical testing. Allele origin: germline.
Comment: This sequence change creates a premature translational stop signal (p.Trp897*) in the POLG gene. It is expected to result in an absent or disrupted protein product. Loss-of-function variants in POLG are known to be pathogenic (PMID: 18546365). This variant is not present in population databases (gnomAD no frequency). This premature translational stop signal has been observed in individual(s) with sensory ataxic neuropathy, dysarthria, and ophthalmoplegia (PMID: 33486010). For these reasons, this variant has been classified as Pathogenic.

Literature cited by the submitters: PubMed 18546365 (cited by Labcorp Genetics (formerly Invitae), Labcorp); PubMed 33486010 (cited by Labcorp Genetics (formerly Invitae), Labcorp).